The following is an entry in ClinVar:

ClinVar aggregate classification (germline): Uncertain significance (1 of 4 stars; one submission).

Submission:

Labcorp Genetics (formerly Invitae), Labcorp
Classification: Uncertain significance. Last evaluated: 2024-05-07. Review status: criteria provided, single submitter. Criteria: Invitae Variant Classification Sherloc (09022015). Collection method: clinical testing. Allele origin: germline.
Comment: This sequence change results in a frameshift in the NR3C2 gene (p.Glu948Valfs*65). While this is not anticipated to result in nonsense mediated decay, it is expected to disrupt the last 37 amino acid(s) of the NR3C2 protein and extend the protein by 27 additional amino acid residues. This variant is not present in population databases (gnomAD no frequency). This frameshift has been observed in individual(s) with pseudohypoaldosteronism (Invitae). Experimental studies and prediction algorithms are not available or were not evaluated, and the functional significance of this variant is currently unknown. In summary, the available evidence is currently insufficient to determine the role of this variant in disease. Therefore, it has been classified as a Variant of Uncertain Significance.

NM_000901.5(NR3C2):c.2843_2844del (p.Glu948fs)

Gene: NR3C2 (nuclear receptor subfamily 3 group C member 2; minus strand). Cytogenetic location: 4q31.23.
Variant type: Microsatellite.
Coding change: c.2843_2844del on transcript NM_000901.5 (MANE Select); coding-DNA positions 2843 to 2844, 2 bases deleted (AG; older notation c.2843_2844delAG).
Protein change: p.Glu948fs; shifts the reading frame from glutamic acid 948.
Molecular consequence: frameshift variant. On other transcripts: non-coding transcript variant (1).
Genome position (GRCh38, 1-based): chr4:148,081,455-148,081,456, CT deleted on the plus strand (AG on the coding strand, the reverse complement: NR3C2 is on the minus strand); deleting any 2 consecutive bases within chr4:148,081,455-148,081,459 gives the same sequence; the c. name uses the placement nearest the transcript's 3' end. VCF-style (leftmost placement, unchanged base first): chr4-148081454-ACT-A. GRCh37 (hg19) VCF-style: chr4-149002605-ACT-A.
Other names: c.2492_2493del, p.Glu831fs (NM_001166104.2, NM_001354819.1); short protein forms E831fs, E948fs.
Identifiers: ClinVar variation 3652567 (VCV003652567.2).
Genomic context (GRCh38, chr4:148,081,454, plus strand): 5'-GCAGCTGGTCGCTGATGATCTCCACCAGCATTGCGGGGAACTCTACCTTCAGCGCATGGG[ACT>A]CTCGGAAGGTGTAGAAGCAGAATTCCAGCAGGTCGCTCACCAGCTGTAACACAGACACAG-3'